The following is an entry in ClinVar:

NM_005529.7(HSPG2):c.931G>A (p.Glu311Lys)

Gene: HSPG2 (heparan sulfate proteoglycan 2; minus strand). Cytogenetic location: 1p36.12.
Variant type: single nucleotide variant.
Coding change: c.931G>A on transcript NM_005529.7 (MANE Select); coding-DNA position 931, G replaced by A.
Protein change: p.Glu311Lys; replaces glutamic acid 311 with lysine.
Molecular consequence: missense variant.
Genome position (GRCh38, 1-based): chr1:21,887,447, C>T on the plus strand (G>A on the coding strand, the complement: HSPG2 is on the minus strand). VCF-style: chr1-21887447-C-T. GRCh37 (hg19) VCF-style: chr1-22213940-C-T.
Other names: c.931G>A, p.Glu311Lys (NM_001291860.2); short protein forms E311K.
Identifiers: ClinVar variation 2995882 (VCV002995882.3), dbSNP rs200992640, ClinGen allele CA673659.

ClinVar aggregate classification (germline): Uncertain significance (1 of 4 stars; one submission).

gnomAD v4.1: 14 of 1,613,966 alleles (0.00087%); highest among the groups gnomAD compares: Non-Finnish European, 0.0011%; no homozygotes.

Submission:

Labcorp Genetics (formerly Invitae), Labcorp
Classification: Uncertain significance. Last evaluated: 2023-12-21. Review status: criteria provided, single submitter. Criteria: Invitae Variant Classification Sherloc (09022015). Collection method: clinical testing. Allele origin: germline.
Comment: This sequence change replaces glutamic acid, which is acidic and polar, with lysine, which is basic and polar, at codon 311 of the HSPG2 protein (p.Glu311Lys). This variant is present in population databases (rs200992640, gnomAD 0.006%). This variant has not been reported in the literature in individuals affected with HSPG2-related conditions. Algorithms developed to predict the effect of missense changes on protein structure and function output the following: SIFT: "Not Available"; PolyPhen-2: "Benign"; Align-GVGD: "Not Available". The lysine amino acid residue is found in multiple mammalian species, which suggests that this missense change does not adversely affect protein function. In summary, the available evidence is currently insufficient to determine the role of this variant in disease. Therefore, it has been classified as a Variant of Uncertain Significance.